The following is an entry in ClinVar:

ClinVar aggregate classification (germline): Benign. Review status: criteria provided, multiple submitters, no conflicts (2 of 4 stars). 2 submissions from 2 submitters: Benign (2). Last evaluated 2018-06-19.

Allele frequency attached by ClinVar (database versions not stated): 1000 Genomes Project 30x 0.41583; 1000 Genomes Project 0.41893; TOPMed 0.44801; gnomAD 0.45711 and 0.45849; gnomAD exomes 0.49781.
gnomAD v4.1: 154,861 of 322,976 alleles (48%); highest among the groups gnomAD compares: South Asian, 55%; 38,514 homozygotes.

Submissions (2):

GeneDx
Classification: Benign. Last evaluated: 2018-06-19. Review status: criteria provided, single submitter. Criteria: GeneDx Variant Classification (06012015). Collection method: clinical testing. Allele origin: germline. Affected: yes.
Comment: This variant is considered likely benign or benign based on one or more of the following criteria: it is a conservative change, it occurs at a poorly conserved position in the protein, it is predicted to be benign by multiple in silico algorithms, and/or has population frequency not consistent with disease.

Breakthrough Genomics
Classification: Benign. Review status: criteria provided, single submitter. Criteria: ACMG Guidelines, 2015. Collection method: not provided. Allele origin: germline. Inheritance: Autosomal recessive inheritance. Affected: yes.

NM_001044385.3(TMEM237):c.274+266A>G

Gene: TMEM237 (transmembrane protein 237; minus strand). Cytogenetic location: 2q33.1.
Variant type: single nucleotide variant.
Coding change: c.274+266A>G on transcript NM_001044385.3 (MANE Select); 266 bases into the intron after coding-DNA position 274, A replaced by G.
Molecular consequence: intron variant.
Genome position (GRCh38, 1-based): chr2:201,636,482, T>C on the plus strand (A>G on the coding strand, the complement: TMEM237 is on the minus strand). VCF-style: chr2-201636482-T-C. GRCh37 (hg19) VCF-style: chr2-202501205-T-C.
Other names: c.250+266A>G (NM_152388.4).
Identifiers: ClinVar variation 667554 (VCV000667554.2), dbSNP rs55971100, ClinGen allele CA15188512.
Genomic context (GRCh38, chr2:201,636,482, plus strand): 5'-TACAGAATCTACCATTTCCCCACTAATCTGAAATGTCCATTTCATCATTTACTAGATTTT[T>C]CTATGCACTGAGATCTGAACTTTCTGTTTAGTCCTGTATTTGTTGCCCTCCTCTCATAAT-3'